The following is an entry in ClinVar:

NM_024334.3(TMEM43):c.180G>A (p.Thr60=)

Gene: TMEM43 (transmembrane protein 43; plus strand). Cytogenetic location: 3p25.1.
Variant type: single nucleotide variant.
Coding change: c.180G>A on transcript NM_024334.3 (MANE Select); coding-DNA position 180, G replaced by A.
Protein change: p.Thr60=; no amino-acid change (threonine 60 retained).
Molecular consequence: synonymous variant.
Genome position (GRCh38, 1-based): chr3:14,130,839, G>A. VCF-style: chr3-14130839-G-A. GRCh37 (hg19) VCF-style: chr3-14172339-G-A.
Identifiers: ClinVar variation 513087 (VCV000513087.22), dbSNP rs765703685, ClinGen allele CA052094.

ClinVar aggregate classification (germline): Likely benign. Review status: criteria provided, multiple submitters, no conflicts (2 of 4 stars). 7 submissions from 7 submitters: Likely benign (7). Last evaluated 2026-09-21.

Conditions:
Arrhythmogenic right ventricular dysplasia 5. Also called: Arrhythmogenic Right Ventricular Dysplasia/Cardiomyopathy 5; ARRHYTHMOGENIC RIGHT VENTRICULAR DYSPLASIA, FAMILIAL, 5. Identifiers: MedGen C1858379, MONDO:0011459, OMIM 604400.
Cardiomyopathy (CMYO). Also called: Cardiomyopathies. Identifiers: Orphanet 167848, MedGen C0878544, MONDO:0004994, HP:0001638. Inheritance: Various modes of inheritance.
Cardiovascular phenotype. Identifiers: MedGen CN230736.

Allele frequency attached by ClinVar (database versions not stated): gnomAD 0.00003; ExAC 0.00003; gnomAD exomes 0.00004; TOPMed 0.00005.
gnomAD v4.1: 69 of 1,613,730 alleles (0.0043%); highest among the groups gnomAD compares: Middle Eastern, 0.033%; no homozygotes.

Submissions (7):

Molecular Diagnostic Laboratory for Inherited Cardiovascular Disease, Montreal Heart Institute
Classification: Likely benign. Last evaluated: 2026-09-21. Review status: criteria provided, single submitter. Criteria: ACMG Guidelines, 2015. Collection method: clinical testing. Allele origin: germline. Affected: no.
Comment: BS1;BP7

Labcorp Genetics (formerly Invitae), Labcorp
Classification: Likely benign for Arrhythmogenic right ventricular dysplasia 5. Last evaluated: 2026-01-16. Review status: criteria provided, single submitter. Criteria: Invitae Variant Classification Sherloc (09022015). Collection method: clinical testing. Allele origin: germline.

All of Us Research Program, National Institutes of Health
Classification: Likely benign for Arrhythmogenic right ventricular dysplasia 5. Last evaluated: 2024-07-20. Review status: criteria provided, single submitter. Criteria: ACMG Guidelines, 2015. Collection method: clinical testing. Allele origin: germline. Inheritance: Autosomal dominant inheritance. Observed: 11 variant alleles, 11 heterozygotes.
Comment: This study involves interpretation of variants in research participants for the purpose of population health screening. Participant phenotype was not available at the time of variant classification. Additional details can be found in publication PMID: 35346344, PMCID: PMC8962531

Blueprint Genetics
Classification: Likely benign. Last evaluated: 2023-09-15. Review status: criteria provided, single submitter. Criteria: ACMG Guidelines, 2015. Collection method: clinical testing. Allele origin: germline.

Ambry Genetics
Classification: Likely benign for Cardiovascular phenotype. Last evaluated: 2022-10-02. Review status: criteria provided, single submitter. Criteria: Ambry Variant Classification Scheme 2023. Collection method: clinical testing. Allele origin: germline.

GeneDx
Classification: Likely benign. Last evaluated: 2021-01-07. Review status: criteria provided, single submitter. Criteria: GeneDx Variant Classification Process June 2021. Collection method: clinical testing. Allele origin: germline. Affected: yes.

Color Diagnostics, LLC DBA Color Health
Classification: Likely benign for Cardiomyopathy. Last evaluated: 2019-02-08. Review status: criteria provided, single submitter. Criteria: ACMG Guidelines, 2015. Collection method: clinical testing. Allele origin: germline.